The following is an entry in ClinVar:

NM_000020.3(ACVRL1):c.1249A>T (p.Ile417Phe)

Gene: ACVRL1 (activin A receptor like type 1; plus strand). Cytogenetic location: 12q13.13.
Variant type: single nucleotide variant.
Coding change: c.1249A>T on transcript NM_000020.3 (MANE Select); coding-DNA position 1249, A replaced by T.
Protein change: p.Ile417Phe; replaces isoleucine 417 with phenylalanine.
Molecular consequence: missense variant.
Genome position (GRCh38, 1-based): chr12:51,918,987, A>T. VCF-style: chr12-51918987-A-T. GRCh37 (hg19) VCF-style: chr12-52312771-A-T.
Other names: p.Ile417Phe; c.1249A>T, p.Ile417Phe (NM_001077401.2); short protein forms I417F.
Identifiers: ClinVar variation 599332 (VCV000599332.11), dbSNP rs141653630, ClinGen allele CA6573116.

ClinVar aggregate classification (germline): Conflicting classifications of pathogenicity. Review status: criteria provided, conflicting classifications (1 of 4 stars). 6 submissions from 6 submitters: Uncertain significance (2); Benign (1); Likely benign (3). Last evaluated 2026-06-01.

Conditions:
Telangiectasia, hereditary hemorrhagic, type 2 (HHT2). Also called: Telangiectasia, hereditary hemorrhagic, type II; ACVRL1-Related Hereditary Hemorrhagic Telangiectasia. Identifiers: Orphanet 774, MedGen C1838163, MONDO:0010880, OMIM 600376. Disease mechanism: loss of function.
Cardiovascular phenotype. Identifiers: MedGen CN230736.
Hereditary hemorrhagic telangiectasia (HHT). Also called: Osler hemorrhagic telangiectasia syndrome; ORW DISEASE; Osler Weber Rendu syndrome; OSLER-RENDU-WEBER DISEASE. Identifiers: Orphanet 774, MedGen C0039445, MONDO:0019180. Disease mechanism: loss of function.
ACVRL1-related disorder. Also called: ACVRL1-related disorders; ACVRL1-related condition.

Allele frequency attached by ClinVar (database versions not stated): ESP Exome Variant Server 0.00008; gnomAD 0.00009; TOPMed 0.00009; ExAC 0.00015; gnomAD exomes 0.00019 and 0.00023.
gnomAD v4.1: 350 of 1,614,080 alleles (0.022%); highest among the groups gnomAD compares: Non-Finnish European, 0.026%; 1 homozygote.

Submissions (6):

CeGaT Center for Human Genetics Tuebingen
Classification: Likely benign. Last evaluated: 2026-06-01. Review status: criteria provided, single submitter. Criteria: CeGaT Center For Human Genetics Tuebingen Variant Classification Criteria Version 2. Collection method: clinical testing. Allele origin: germline. Affected: yes. Observed: 1 variant allele.
Comment: ACVRL1: BS1

Mayo Clinic Laboratories, Mayo Clinic
Classification: Uncertain significance. Last evaluated: 2025-10-17. Review status: criteria provided, single submitter. Criteria: ACMG Guidelines, 2015. Collection method: clinical testing. Allele origin: germline. Observed: 1 variant allele.
Comment: PP3

PreventionGenetics, part of Exact Sciences
Classification: Likely benign for ACVRL1-related condition. Last evaluated: 2024-11-18. Review status: criteria provided, single submitter. Criteria: ACMG Guidelines, 2015. Collection method: clinical testing. Allele origin: germline.
Comment: This variant is classified as likely benign based on ACMG/AMP sequence variant interpretation guidelines (Richards et al. 2015 PMID: 25741868, with internal and published modifications).

Ambry Genetics
Classification: Benign for Cardiovascular phenotype. Last evaluated: 2023-09-06. Review status: criteria provided, single submitter. Criteria: Ambry Variant Classification Scheme 2023. Collection method: clinical testing. Allele origin: germline.

Labcorp Genetics (formerly Invitae), Labcorp
Classification: Uncertain significance for Telangiectasia, hereditary hemorrhagic, type 2. Last evaluated: 2021-08-13. Review status: criteria provided, single submitter. Criteria: Invitae Variant Classification Sherloc (09022015). Collection method: clinical testing. Allele origin: germline.
Comment: This sequence change replaces isoleucine with phenylalanine at codon 417 of the ACVRL1 protein (p.Ile417Phe). The isoleucine residue is highly conserved and there is a small physicochemical difference between isoleucine and phenylalanine. This variant is present in population databases (rs141653630, ExAC 0.03%), and has an allele count higher than expected for a pathogenic variant (PMID: 28166811). This missense change has been observed in individual(s) with clinical features of hereditary hemorrhagic telangiectasia (HHT) (PMID: 21158752, 26176610). Algorithms developed to predict the effect of missense changes on protein structure and function are either unavailable or do not agree on the potential impact of this missense change (SIFT: "Deleterious"; PolyPhen-2: "Possibly Damaging"; Align-GVGD: "Class C15"). Experimental studies have shown that this missense change does not substantially affect ACVRL1 function (PMID: 26176610). In summary, the available evidence is currently insufficient to determine the role of this variant in disease. Therefore, it has been classified as a Variant of Uncertain Significance.

CSER _CC_NCGL, University of Washington
Classification: Likely benign for Hereditary hemorrhagic telangiectasia. Last evaluated: 2015-07-01. Review status: criteria provided, single submitter. Criteria: Amendola et al. (Genome Res. 2015). Collection method: research. Allele origin: germline. Affected: no. Study: CSER - NEXT Medicine variant annotation.
Comment: This interpretation considers GERP score and allele frequency data, in addition to published reports of the variant in the literature, available at the time of review.

Literature cited by the submitters: PubMed 21158752 (cited by 3 submitters); PubMed 16705692 (cited by Ambry Genetics); PubMed 26176610 (cited by Ambry Genetics and Labcorp Genetics (formerly Invitae), Labcorp); PubMed 28166811 (cited by Labcorp Genetics (formerly Invitae), Labcorp).